The following is an entry in ClinVar:

ClinVar aggregate classification (germline): Uncertain significance (1 of 4 stars; one submission).

Conditions:
Inborn genetic diseases. Identifiers: MedGen C0950123, MeSH D030342.

gnomAD v4.1: 39 of 1,607,468 alleles (0.0024%); highest among the groups gnomAD compares: Non-Finnish European, 0.0031%; no homozygotes.

Submission:

Ambry Genetics
Classification: Uncertain significance for Inborn genetic diseases. Last evaluated: 2026-04-08. Review status: criteria provided, single submitter. Criteria: Ambry Variant Classification Scheme 2023. Collection method: clinical testing. Allele origin: germline.
Comment: The c.8629C>T (p.L2877F) alteration is located in exon 56 (coding exon 56) of the TRIO gene. This alteration results from a C to T substitution at nucleotide position 8629, causing the leucine (L) at amino acid position 2877 to be replaced by a phenylalanine (F). Based on data from gnomAD, the T allele has an overall frequency of 0.001% (3/277470) total alleles studied. The highest observed frequency was 0.004% (1/24798) of African alleles. Based on insufficient or conflicting evidence, the clinical significance of this alteration remains unclear.

NM_007118.4(TRIO):c.8629C>T (p.Leu2877Phe)

Gene: TRIO (trio Rho guanine nucleotide exchange factor; plus strand). Cytogenetic location: 5p15.2.
Variant type: single nucleotide variant.
Coding change: c.8629C>T on transcript NM_007118.4 (MANE Select); coding-DNA position 8629, C replaced by T.
Protein change: p.Leu2877Phe; replaces leucine 2877 with phenylalanine.
Molecular consequence: missense variant. On other transcripts: non-coding transcript variant (1).
Genome position (GRCh38, 1-based): chr5:14,507,138, C>T. VCF-style: chr5-14507138-C-T. GRCh37 (hg19) VCF-style: chr5-14507247-C-T.
Other names: short protein forms L2877F.
Identifiers: ClinVar variation 4865924 (VCV004865924.1).
Genomic context (GRCh38, chr5:14,507,138, plus strand): 5'-AAAGCAAATCGCATCATAACAGTCACCCGCTCCTGCCTCTTTAGGGCTGACCAGGGTCGC[C>T]TCCTGGACTGCGTGGTGCGATGGGGAAGCCTCACTGAAGGGAAGATCAGGGCGCACCTGG-3'
Protein context (NP_009049.2, residues 2867-2887): LVLEMADQGR[Leu2877Phe]LDCVVRWGSL